The following is an entry in ClinVar:

ClinVar aggregate classification (germline): Conflicting classifications of pathogenicity. Review status: criteria provided, conflicting classifications (1 of 4 stars). 3 submissions from 3 submitters: Uncertain significance (2); Likely benign (1). Last evaluated 2022-06-27.

Submissions (3):

Ambry Genetics
Classification: Uncertain significance. Last evaluated: 2022-06-27. Review status: criteria provided, single submitter. Criteria: Ambry Variant Classification Scheme 2023. Collection method: clinical testing. Allele origin: germline.
Comment: The p.G85E variant (also known as c.254G>A), located in coding exon 2 of the MYLK2 gene, results from a G to A substitution at nucleotide position 254. The glycine at codon 85 is replaced by glutamic acid, an amino acid with similar properties. This amino acid position is conserved. In addition, this alteration is predicted to be tolerated by in silico analysis. Since supporting evidence is limited at this time, the clinical significance of this alteration remains unclear.

GeneDx
Classification: Uncertain significance. Last evaluated: 2022-05-10. Review status: criteria provided, single submitter. Criteria: GeneDx Variant Classification Process June 2021. Collection method: clinical testing. Allele origin: germline. Affected: yes.
Comment: Not observed at significant frequency in large population cohorts (gnomAD); In silico analysis supports that this missense variant does not alter protein structure/function; Has not been previously published as pathogenic or benign to our knowledge

Laboratory for Molecular Medicine, Mass General Brigham Personalized Medicine
Classification: Likely benign. Last evaluated: 2014-10-30. Review status: criteria provided, single submitter. Criteria: LMM Criteria. Collection method: clinical testing. Allele origin: germline. Observed: 1 variant allele.
Comment: p.Gly85Glu in exon 3 of MYLK2: This variant is not expected to have clinical sig nificance due to a lack of conservation across species, including mammals. Of no te, five mammalian species (Tibetan antelope, cow, sheep, goat and manatee) have a Glutamic acid (Glu) at this position. In addition, computational prediction t ools do not suggest a high likelihood of impact to the protein.

NM_033118.4(MYLK2):c.254G>A (p.Gly85Glu)

Gene: MYLK2 (myosin light chain kinase 2; plus strand). Cytogenetic location: 20q11.21.
Variant type: single nucleotide variant.
Coding change: c.254G>A on transcript NM_033118.4 (MANE Select); coding-DNA position 254, G replaced by A.
Protein change: p.Gly85Glu; replaces glycine 85 with glutamic acid.
Molecular consequence: missense variant.
Genome position (GRCh38, 1-based): chr20:31,820,327, G>A. VCF-style: chr20-31820327-G-A. GRCh37 (hg19) VCF-style: chr20-30408130-G-A.
Other names: short protein forms G85E.
Identifiers: ClinVar variation 180071 (VCV000180071.8), dbSNP rs727505328, ClinGen allele CA185751.